The following is an entry in ClinVar:

ClinVar aggregate classification (germline): Uncertain significance (1 of 4 stars; one submission).

Conditions:
Common variable immunodeficiency (CVID). Also called: Common variable hypogamma-globulinemia; Common variable agammaglobulinemia. Identifiers: Orphanet 1572, MedGen C0009447, MONDO:0015517.

Submission:

Labcorp Genetics (formerly Invitae), Labcorp
Classification: Uncertain significance for Common variable immunodeficiency. Last evaluated: 2025-11-26. Review status: criteria provided, single submitter. Criteria: Invitae Variant Classification Sherloc (09022015). Collection method: clinical testing. Allele origin: germline.
Comment: This variant, c.229_231dup, results in the insertion of 1 amino acid(s) of the TNFSF12 protein (p.Glu77dup), but otherwise preserves the integrity of the reading frame. This variant is not present in population databases (gnomAD no frequency). This variant has not been reported in the literature in individuals affected with TNFSF12-related conditions. In summary, the available evidence is currently insufficient to determine the role of this variant in disease. Therefore, it has been classified as a Variant of Uncertain Significance.

NM_003809.3(TNFSF12):c.226GAA[3] (p.Glu77_Ser78insGlu)

Genes: TNFSF12 (TNF superfamily member 12; plus strand), TNFSF12-TNFSF13 (TNFSF12-TNFSF13 readthrough; plus strand). Cytogenetic location: 17p13.1.
Variant type: Microsatellite.
Coding change: c.226GAA[3] on transcript NM_003809.3 (MANE Select); three copies in a row of the 3-base unit GAA starting at c.226; the reference has two copies in a row; one copy, 3 bases duplicated.
Protein change: p.Glu77_Ser78insGlu.
Molecular consequence: inframe insertion. On other transcripts: non-coding transcript variant (1).
Genome position (GRCh38, 1-based): chr17:7,550,141-7,550,143, GAA duplicated; duplicating any 3 consecutive bases within chr17:7,550,137-7,550,143 gives the same sequence; the position shown is the placement nearest the transcript's 3' end. VCF-style (leftmost placement, unchanged base first): chr17-7550136-C-CAGA. GRCh37 (hg19) VCF-style: chr17-7453453-C-CAGA.
Other names: c.226GAA[3], p.Glu77_Ser78insGlu (NM_172089.4).
Identifiers: ClinVar variation 4717477 (VCV004717477.1).